The following is an entry in ClinVar:

ClinVar aggregate classification (germline): Conflicting classifications of pathogenicity. Review status: criteria provided, conflicting classifications (1 of 4 stars). 22 submissions from 21 submitters: Uncertain significance (4); Benign (2); Likely benign (11). 5 of the submissions do not count toward it. Last evaluated 2026-06-01.

Conditions:
TNNT2-related disorder. Also called: TNNT2-related condition.
Cardiovascular phenotype. Identifiers: MedGen CN230736.
Increased left ventricular wall thickness.
Dilated cardiomyopathy 1D. Identifiers: Orphanet 154, Orphanet 54260, MedGen C1832243, MONDO:0011095, OMIM 601494.
Cardiomyopathy, familial restrictive, 3. Identifiers: Orphanet 75249, MedGen C2676271, MONDO:0012900, OMIM 612422.
Hypertrophic cardiomyopathy 2. Also called: TNNT2-Related Familial Hypertrophic Cardiomyopathy. Identifiers: MedGen C1861864, MONDO:0007266, OMIM 115195.
Cardiomyopathy (CMYO). Also called: Cardiomyopathies. Identifiers: Orphanet 167848, MedGen C0878544, MONDO:0004994, HP:0001638. Inheritance: Various modes of inheritance.
Primary familial hypertrophic cardiomyopathy (HCM). Identifiers: Orphanet 99739, MedGen C0949658, MeSH D024741, MONDO:0024573. Inheritance: Various modes of inheritance.
Supraventricular tachycardia. Identifiers: MedGen C0039240, HP:0004755.

Allele frequency attached by ClinVar (database versions not stated): ESP Exome Variant Server 0.00031; gnomAD 0.00046; gnomAD exomes 0.00058; TOPMed 0.00063.
gnomAD v4.1: 920 of 1,613,840 alleles (0.057%); highest among the groups gnomAD compares: Middle Eastern, 0.082%; 2 homozygotes.

Submissions (22):

CeGaT Center for Human Genetics Tuebingen
Classification: Likely benign. Last evaluated: 2026-06-01. Review status: criteria provided, single submitter. Criteria: CeGaT Center For Human Genetics Tuebingen Variant Classification Criteria Version 2. Collection method: clinical testing. Allele origin: germline. Affected: yes. Observed: 3 variant alleles.
Comment: TNNT2: BS2

Labcorp Genetics (formerly Invitae), Labcorp
Classification: Likely benign for Cardiomyopathy, familial restrictive, 3; Hypertrophic cardiomyopathy 2; Dilated cardiomyopathy 1D. Last evaluated: 2026-01-26. Review status: criteria provided, single submitter. Criteria: Invitae Variant Classification Sherloc (09022015). Collection method: clinical testing. Allele origin: germline.

Women's Health and Genetics/Laboratory Corporation of America, LabCorp
Classification: Likely benign. Last evaluated: 2026-01-12. Review status: criteria provided, single submitter. Criteria: LabCorp Variant Classification Summary - May 2015. Collection method: clinical testing. Allele origin: germline.
Comment: Variant summary: TNNT2 c.83C>T (p.Ala28Val) results in a non-conservative amino acid change in the encoded protein sequence. Algorithms developed to predict the effect of missense changes on protein structure and function are either unavailable or do not agree on the potential impact of this missense change. The variant allele was found at a frequency of 0.00057 in 1619030 control chromosomes in the gnomAD database, including 2 homozygotes. The observed variant frequency exceeds the estimated maximal expected allele frequency for disease-causing variants in TNNT2. c.83C>T has been observed in individuals affected with Hypertrophic Cardiomyopathy and Dilated Cardiomyopathy without strong evidence for causality (e.g. Morita_2006, Curlia_2009, Milat_2011, Rani_2011, Bick_2012, Curlia_2012, Pugh_2014, Sousa_2019, De Bortoli_2020, Sepp_2022). These reports do not provide unequivocal conclusions about association of the variant with TNNT2-related Cardiomyopathy. At least one publication reports experimental evidence evaluating an impact on protein function, however, does not allow convincing conclusions about the variant effect (Pettinato_2020). The following publications have been ascertained in the context of this evaluation (PMID: 25637381, 22958901, 22455086, 19645627, 32004434, 24055113, 23233322, 21846512, 16754800, 33025817, 24503780, 22017532, 35626289, 30871747). ClinVar contains an entry for this variant (Variation ID: 43675). Based on the evidence outlined above, the variant was classified as likely benign.

PreventionGenetics, part of Exact Sciences
Classification: Likely benign for TNNT2-related condition. Last evaluated: 2025-11-25. Review status: criteria provided, single submitter. Criteria: ACMG Guidelines, 2015. Collection method: clinical testing. Allele origin: germline.
Comment: This variant is classified as likely benign based on ACMG/AMP sequence variant interpretation guidelines (Richards et al. 2015 PMID: 25741868, with internal and published modifications).

Mayo Clinic Laboratories, Mayo Clinic
Classification: Likely benign. Last evaluated: 2025-07-08. Review status: criteria provided, single submitter. Criteria: ACMG Guidelines, 2015. Collection method: clinical testing. Allele origin: germline. Observed: 1 variant allele.
Comment: BS1, BS2_supporting

Molecular Diagnostic Laboratory for Inherited Cardiovascular Disease, Montreal Heart Institute
Classification: Likely benign. Last evaluated: 2025-04-09. Review status: criteria provided, single submitter. Criteria: ACMG Guidelines, 2015. Collection method: clinical testing. Allele origin: germline. Affected: no.
Comment: PP2, BS1, BP6

Blueprint Genetics
Classification: Likely benign. Last evaluated: 2024-11-25. Review status: criteria provided, single submitter. Criteria: ACMG Guidelines, 2015. Collection method: clinical testing. Allele origin: germline.

Color Diagnostics, LLC DBA Color Health
Classification: Benign for Cardiomyopathy. Last evaluated: 2024-09-12. Review status: criteria provided, single submitter. Criteria: ACMG Guidelines, 2015. Collection method: clinical testing. Allele origin: germline.

CHEO Genetics Diagnostic Laboratory, Children's Hospital of Eastern Ontario
Classification: Likely benign for Cardiomyopathy. Last evaluated: 2022-08-30. Review status: criteria provided, single submitter. Criteria: ACMG Guidelines, 2015. Collection method: clinical testing. Allele origin: germline.

GeneDx
Classification: Likely benign. Last evaluated: 2021-06-11. Review status: criteria provided, single submitter. Criteria: GeneDx Variant Classification Process June 2021. Collection method: clinical testing. Allele origin: germline. Affected: yes.
Comment: This variant is associated with the following publications: (PMID: 24055113, 22017532, 21846512, 23233322, 24503780, 23299917, 25637381, 19645627, 16754800, 22464770, 27153395, 27600940, 22455086, 22958901, 15631686, 30871747, 30122538, 25351510, 31019283, 27535533, 26582918, 32004434, 33025817)

Ambry Genetics
Classification: Likely benign for Cardiovascular phenotype. Last evaluated: 2019-04-22. Review status: criteria provided, single submitter. Criteria: Ambry Variant Classification Scheme 2023. Collection method: clinical testing. Allele origin: germline.

Equipe Genetique des Anomalies du Developpement, Université de Bourgogne
Classification: Uncertain significance for Dilated cardiomyopathy 1D. Last evaluated: 2018-11-21. Review status: criteria provided, single submitter. Criteria: ACMG Guidelines, 2015. Collection method: clinical testing. Allele origin: unknown.

Laboratory for Molecular Medicine, Mass General Brigham Personalized Medicine
Classification: Benign. Last evaluated: 2018-03-15. Review status: criteria provided, single submitter. Criteria: LMM Criteria. Collection method: clinical testing. Allele origin: germline. Observed: 9 variant alleles.
Comment: p.Ala28Val in exon 5 of TNNT2: This variant is classified as benign because it h as been identified in 0.07% (84/126672) of European chromosomes by the Genome Ag gregation Database (gnomAD; dbSNP rs200754249) . Furthermore, alanine (Ala) at position 28 is not conserved in mammals or evolu tionarily distant species and >10 mammals carry a valine (Val) at this position, supporting that this change may be tolerated. ACMG/AMP Criteria applied: BS1; B P4_Strong.

Illumina Laboratory Services, Illumina
Classification: Uncertain significance for Hypertrophic cardiomyopathy 2. Last evaluated: 2018-02-21. Review status: criteria provided, single submitter. Criteria: ICSL Variant Classification Criteria 13 December 2019. Collection method: clinical testing. Allele origin: germline.

Illumina Laboratory Services, Illumina
Classification: Uncertain significance for Cardiomyopathy, familial restrictive, 3. Last evaluated: 2018-02-21. Review status: criteria provided, single submitter. Criteria: ICSL Variant Classification Criteria 13 December 2019. Collection method: clinical testing. Allele origin: germline.

Center for Advanced Laboratory Medicine, UC San Diego Health, University of California San Diego
Classification: Likely benign for Supraventricular tachycardia. Last evaluated: 2017-10-02. Review status: criteria provided, single submitter. Criteria: ACMG Guidelines, 2015. Collection method: clinical testing. Allele origin: germline. Affected: yes. Observed: 1 variant allele.

CSER _CC_NCGL, University of Washington
Classification: Uncertain significance for Increased left ventricular wall thickness. Last evaluated: 2014-06-01. Review status: criteria provided, single submitter. Criteria: Amendola et al. (Genome Res. 2015). Collection method: research. Allele origin: germline. Inheritance: Autosomal dominant inheritance. Study: ESP 6500 variant annotation.
Comment: Low GERP score may suggest that this variant may belong in a lower pathogenicity class

Variants classified for the Actionable exomic incidental findings in 6503 participants: challenges of variant classification manuscript

Clinical Genetics, Academic Medical Center
Classification: Likely benign. Review status: no assertion criteria provided. Collection method: clinical testing. Allele origin: germline. Affected: yes. Study: VKGL Data-share Consensus. Not counted in ClinVar's aggregate classification.

Diagnostic Laboratory, Department of Genetics, University Medical Center Groningen
Classification: Likely benign. Review status: no assertion criteria provided. Collection method: clinical testing. Allele origin: germline. Affected: yes. Study: VKGL Data-share Consensus. Not counted in ClinVar's aggregate classification.

Evolutionary and Medical Genetics Laboratory,  Centre for Cellular and Molecular Biology
Classification: Pathogenic. Review status: no assertion criteria provided. Collection method: not provided. Allele origin: germline. Not counted in ClinVar's aggregate classification.
ClinVar note: Converted during submission from pathogenic to Pathogenic.

Genome Diagnostics Laboratory, University Medical Center Utrecht
Classification: Likely benign. Review status: no assertion criteria provided. Collection method: clinical testing. Allele origin: germline. Affected: yes. Study: VKGL Data-share Consensus. Not counted in ClinVar's aggregate classification.

Joint Genome Diagnostic Labs from Nijmegen and Maastricht, Radboudumc and MUMC+
Classification: Benign. Review status: no assertion criteria provided. Collection method: clinical testing. Allele origin: germline. Affected: yes. Study: VKGL Data-share Consensus. Not counted in ClinVar's aggregate classification.

Literature cited by the submitters: PubMed 16754800 (cited by 3 submitters); PubMed 22017532 (cited by Women's Health and Genetics/Laboratory Corporation of America, LabCorp and Laboratory for Molecular Medicine, Mass General Brigham Personalized Medicine); PubMed 23233322 (cited by Women's Health and Genetics/Laboratory Corporation of America, LabCorp); PubMed 22958901 (cited by Women's Health and Genetics/Laboratory Corporation of America, LabCorp); PubMed 22455086 (cited by Women's Health and Genetics/Laboratory Corporation of America, LabCorp); PubMed 19645627 (cited by Women's Health and Genetics/Laboratory Corporation of America, LabCorp and Laboratory for Molecular Medicine, Mass General Brigham Personalized Medicine); PubMed 21846512 (cited by 3 submitters); PubMed 24055113 (cited by Women's Health and Genetics/Laboratory Corporation of America, LabCorp and Ambry Genetics); PubMed 24503780 (cited by Women's Health and Genetics/Laboratory Corporation of America, LabCorp and Ambry Genetics); PubMed 25637381 (cited by Women's Health and Genetics/Laboratory Corporation of America, LabCorp and Ambry Genetics); PubMed 30871747 (cited by Women's Health and Genetics/Laboratory Corporation of America, LabCorp and Ambry Genetics); PubMed 32004434 (cited by Women's Health and Genetics/Laboratory Corporation of America, LabCorp); PubMed 33025817 (cited by Women's Health and Genetics/Laboratory Corporation of America, LabCorp); PubMed 35626289 (cited by Women's Health and Genetics/Laboratory Corporation of America, LabCorp); PubMed 23299917 (cited by Ambry Genetics); PubMed 25351510 (cited by Ambry Genetics); PubMed 28087566 (cited by Ambry Genetics).

NM_000364.3(TNNT2):c.113C>T (p.Ala38Val)

Gene: TNNT2 (troponin T2, cardiac type; minus strand). Cytogenetic location: 1q32.1.
Variant type: single nucleotide variant.
Coding change: c.113C>T on transcript NM_000364.3; coding-DNA position 113, C replaced by T.
Protein change: p.Ala38Val; replaces alanine 38 with valine.
Genome position (GRCh38, 1-based): chr1:201,368,212, G>A on the plus strand (C>T on the coding strand, the complement: TNNT2 is on the minus strand). VCF-style: chr1-201368212-G-A. GRCh37 (hg19) VCF-style: chr1-201337340-G-A.
Other names: p.A28V:GCG>GTG; c.113C>T, p.Ala38Val (NM_000364.4, NM_001276345.2, NM_001276346.2); c.83C>T, p.Ala28Val (NM_001001430.3, NM_001001431.3, NM_001276347.2); c.68C>T, p.Ala23Val (NM_001001432.3); short protein forms A28V, A38V, A23V.
Identifiers: ClinVar variation 43675 (VCV000043675.62), dbSNP rs200754249, ClinGen allele CA004079.